The following is an entry in ClinVar:

ClinVar aggregate classification (germline): Uncertain significance (1 of 4 stars; one submission).

Submission:

Ambry Genetics
Classification: Uncertain significance. Last evaluated: 2025-03-01. Review status: criteria provided, single submitter. Criteria: Ambry Variant Classification Scheme 2023. Collection method: clinical testing. Allele origin: germline.
Comment: The p.E516D variant (also known as c.1548G>C), located in coding exon 7 of the WNK2 gene, results from a G to C substitution at nucleotide position 1548. The glutamic acid at codon 516 is replaced by aspartic acid, an amino acid with highly similar properties. This amino acid position is conserved. In addition, this alteration is predicted to be tolerated by in silico analysis. Based on the available evidence, the clinical significance of this variant remains unclear.

NM_006648.4(WNK2):c.1548G>C (p.Glu516Asp)

Gene: WNK2 (WNK lysine deficient protein kinase 2; plus strand). Cytogenetic location: 9q22.31.
Variant type: single nucleotide variant.
Coding change: c.1548G>C on transcript NM_006648.4 (MANE Select); coding-DNA position 1548, G replaced by C.
Protein change: p.Glu516Asp; replaces glutamic acid 516 with aspartic acid.
Molecular consequence: missense variant.
Genome position (GRCh38, 1-based): chr9:93,247,548, G>C. VCF-style: chr9-93247548-G-C. GRCh37 (hg19) VCF-style: chr9-96009830-G-C.
Other names: c.1548G>C, p.Glu516Asp (NM_001282394.3); short protein forms E516D.
Identifiers: ClinVar variation 3817189 (VCV003817189.1).